The following is an entry in ClinVar:

NM_144573.4(NEXN):c.166_169del (p.Arg56fs)

Gene: NEXN (nexilin F-actin binding protein; plus strand). Cytogenetic location: 1p31.1.
Variant type: Deletion.
Coding change: c.166_169del on transcript NM_144573.4 (MANE Select); coding-DNA positions 166 to 169, 4 bases deleted (AGAA; older notation c.166_169delAGAA).
Protein change: p.Arg56fs; shifts the reading frame from arginine 56.
Molecular consequence: frameshift variant. On other transcripts: intron variant (1).
Genome position (GRCh38, 1-based): chr1:77,917,704-77,917,707, AGAA deleted; deleting any 4 consecutive bases within chr1:77,917,702-77,917,707 gives the same sequence; the c. name uses the placement nearest the transcript's 3' end. VCF-style (leftmost placement, unchanged base first): chr1-77917701-CAAAG-C. GRCh37 (hg19) VCF-style: chr1-78383386-CAAAG-C.
Other names: c.28-256_28-253del (NM_001172309.2); short protein forms R56fs.
Identifiers: ClinVar variation 626385 (VCV000626385.8), dbSNP rs765396527, ClinGen allele CA918571.

ClinVar aggregate classification (germline): Conflicting classifications of pathogenicity. Review status: criteria provided, conflicting classifications (1 of 4 stars). 4 submissions from 4 submitters: Pathogenic (2); Likely pathogenic (1); Uncertain significance (1). Last evaluated 2026-03-11.

Conditions:
Hypertrophic cardiomyopathy 20. Identifiers: MedGen C3151267, MONDO:0013477, OMIM 613876.
Dilated cardiomyopathy 1CC (CMD1CC). Identifiers: Orphanet 154, MedGen C2751084, MONDO:0013147, OMIM 613122.
NEXN-related disorder. Also called: NEXN-related disorders; NEXN-related condition.
Cardiomyopathy (CMYO). Also called: Cardiomyopathies. Identifiers: Orphanet 167848, MedGen C0878544, MONDO:0004994, HP:0001638. Inheritance: Various modes of inheritance.

Submissions (4):

GeneDx
Classification: Pathogenic. Last evaluated: 2026-03-11. Review status: criteria provided, single submitter. Criteria: GeneDx Variant Classification Process June 2021. Collection method: clinical testing. Allele origin: germline.
Comment: Frameshift variant predicted to result in protein truncation or nonsense mediated decay in a gene for which loss of function is a known mechanism of disease; Not observed at significant frequency in large population cohorts (gnomAD); Has not been previously published as pathogenic or benign to our knowledge

Labcorp Genetics (formerly Invitae), Labcorp
Classification: Pathogenic for Dilated cardiomyopathy 1CC; Hypertrophic cardiomyopathy 20. Last evaluated: 2026-01-15. Review status: criteria provided, single submitter. Criteria: Invitae Variant Classification Sherloc (09022015). Collection method: clinical testing. Allele origin: germline.
Comment: This sequence change creates a premature translational stop signal (p.Arg56Glufs*34) in the NEXN gene. It is expected to result in an absent or disrupted protein product. Loss-of-function variants in NEXN are known to be pathogenic (PMID: 19881492, 32058062, 32814711, 32870709, 33949776, 38059363, 40680702). This variant is present in population databases (rs765396527, gnomAD 0.0009%). This variant has not been reported in the literature in individuals affected with NEXN-related conditions. ClinVar contains an entry for this variant (Variation ID: 626385). For these reasons, this variant has been classified as Pathogenic.

Blueprint Genetics
Classification: Likely pathogenic for NEXN-related disorders. Last evaluated: 2024-11-08. Review status: criteria provided, single submitter. Criteria: ACMG Guidelines, 2015. Collection method: clinical testing. Allele origin: germline. Affected: yes. Observed: 2 variant alleles.

CHEO Genetics Diagnostic Laboratory, Children's Hospital of Eastern Ontario
Classification: Uncertain significance for Cardiomyopathy. Last evaluated: 2016-06-16. Review status: criteria provided, single submitter. Criteria: ACMG Guidelines, 2015. Collection method: clinical testing. Allele origin: germline. Study: Canadian Open Genetics Repository.

Literature cited by the submitters: PubMed 19881492 (cited by Labcorp Genetics (formerly Invitae), Labcorp); PubMed 32058062 (cited by Labcorp Genetics (formerly Invitae), Labcorp); PubMed 32814711 (cited by Labcorp Genetics (formerly Invitae), Labcorp); PubMed 32870709 (cited by Labcorp Genetics (formerly Invitae), Labcorp); PubMed 33949776 (cited by Labcorp Genetics (formerly Invitae), Labcorp); PubMed 38059363 (cited by Labcorp Genetics (formerly Invitae), Labcorp); PubMed 40680702 (cited by Labcorp Genetics (formerly Invitae), Labcorp).